The following is an entry in ClinVar:

NM_001009999.3(KDM1A):c.2628G>A (p.Met876Ile)

Gene: KDM1A (lysine demethylase 1A; plus strand). Cytogenetic location: 1p36.12.
Variant type: single nucleotide variant.
Coding change: c.2628G>A on transcript NM_001009999.3 (MANE Select); coding-DNA position 2628, G replaced by A.
Protein change: p.Met876Ile; replaces methionine 876 with isoleucine.
Molecular consequence: missense variant. On other transcripts: 3 prime UTR variant (1).
Genome position (GRCh38, 1-based): chr1:23,083,361, G>A. VCF-style: chr1-23083361-G-A. GRCh37 (hg19) VCF-style: chr1-23409854-G-A.
Other names: c.2574G>A, p.Met858Ile (NM_001363654.2); c.2634G>A, p.Met878Ile (NM_001410762.1); c.*876G>A (NM_001410763.1); c.2556G>A, p.Met852Ile (NM_015013.4); short protein forms M878I, M852I, M858I, M876I.
Identifiers: ClinVar variation 2891128 (VCV002891128.11), dbSNP rs748733661, ClinGen allele CA679999.

ClinVar aggregate classification (germline): Conflicting classifications of pathogenicity. Review status: criteria provided, conflicting classifications (1 of 4 stars). 2 submissions from 2 submitters: Uncertain significance (1); Likely benign (1). Last evaluated 2025-11-19.

Allele frequency attached by ClinVar (database versions not stated): ExAC 0.00003; gnomAD exomes 0.00008; TOPMed 0.00008; gnomAD 0.00009.
gnomAD v4.1: 125 of 1,611,338 alleles (0.0078%); highest among the groups gnomAD compares: Non-Finnish European, 0.01%; no homozygotes.

Submissions (2):

Labcorp Genetics (formerly Invitae), Labcorp
Classification: Uncertain significance. Last evaluated: 2025-11-19. Review status: criteria provided, single submitter. Criteria: Invitae Variant Classification Sherloc (09022015). Collection method: clinical testing. Allele origin: germline.
Comment: This sequence change replaces methionine, which is neutral and non-polar, with isoleucine, which is neutral and non-polar, at codon 876 of the KDM1A protein (p.Met876Ile). This variant is present in population databases (rs748733661, gnomAD 0.01%). This variant has not been reported in the literature in individuals affected with KDM1A-related conditions. ClinVar contains an entry for this variant (Variation ID: 2891128). An algorithm developed to predict the effect of missense changes on protein structure and function outputs the following: PolyPhen-2: "Benign". The isoleucine amino acid residue is found in multiple mammalian species, which suggests that this missense change does not adversely affect protein function. In summary, the available evidence is currently insufficient to determine the role of this variant in disease. Therefore, it has been classified as a Variant of Uncertain Significance.

CeGaT Center for Human Genetics Tuebingen
Classification: Likely benign. Last evaluated: 2025-08-01. Review status: criteria provided, single submitter. Criteria: CeGaT Center For Human Genetics Tuebingen Variant Classification Criteria Version 2. Collection method: clinical testing. Allele origin: germline. Affected: yes. Observed: 1 variant allele.
Comment: KDM1A: PP2, BS2